The following is an entry in ClinVar:

ClinVar aggregate classification (germline): Conflicting classifications of pathogenicity. Review status: criteria provided, conflicting classifications (1 of 4 stars). 7 submissions from 7 submitters: Uncertain significance (4); Likely benign (3). Last evaluated 2026-07-01.

Conditions:
Ehlers-Danlos syndrome (EDS). Identifiers: Orphanet 98249, MedGen C0013720, MONDO:0020066.
Brittle cornea syndrome 1 (BCS1). Also called: CORNEAL FRAGILITY, KERATOGLOBUS, BLUE SCLERAE, JOINT HYPEREXTENSIBILITY; EDS6B; FRAGILITAS OCULI WITH JOINT HYPEREXTENSIBILITY; Corneal fragility keratoglobus, blue sclerae AND joint hypermobility; DYSGENESIS MESODERMALIS CORNEAE ET SCLERAE. Identifiers: Orphanet 90354, MedGen C0268344, MONDO:0024543, OMIM 229200.
ZNF469-related disorder. Also called: ZNF469-related condition.

Allele frequency attached by ClinVar (database versions not stated): gnomAD 0.00006 and 0.00009; ExAC 0.00059; 1000 Genomes Project 0.00060; 1000 Genomes Project 30x 0.00078.
gnomAD v4.1: 173 of 1,549,620 alleles (0.011%); highest among the groups gnomAD compares: East Asian, 0.2%; 1 homozygote.

Submissions (7):

CeGaT Center for Human Genetics Tuebingen
Classification: Likely benign. Last evaluated: 2026-07-01. Review status: criteria provided, single submitter. Criteria: CeGaT Center For Human Genetics Tuebingen Variant Classification Criteria Version 2. Collection method: clinical testing. Allele origin: germline. Affected: yes. Observed: 2 variant alleles.
Comment: ZNF469: BP4

Labcorp Genetics (formerly Invitae), Labcorp
Classification: Likely benign. Last evaluated: 2026-01-09. Review status: criteria provided, single submitter. Criteria: Invitae Variant Classification Sherloc (09022015). Collection method: clinical testing. Allele origin: germline.

PreventionGenetics, part of Exact Sciences
Classification: Likely benign for ZNF469-related condition. Last evaluated: 2025-09-27. Review status: criteria provided, single submitter. Criteria: ACMG Guidelines, 2015. Collection method: clinical testing. Allele origin: germline.
Comment: This variant is classified as likely benign based on ACMG/AMP sequence variant interpretation guidelines (Richards et al. 2015 PMID: 25741868, with internal and published modifications).

Women's Health and Genetics/Laboratory Corporation of America, LabCorp
Classification: Uncertain significance. Last evaluated: 2025-03-17. Review status: criteria provided, single submitter. Criteria: LabCorp Variant Classification Summary - May 2015. Collection method: clinical testing. Allele origin: germline.
Comment: Variant summary: ZNF469 c.2119C>T (p.Arg707Cys) results in a non-conservative amino acid change in the encoded protein sequence. Two of four in-silico tools predict a benign effect of the variant on protein function. The variant allele was found at a frequency of 0.00029 in 147522 control chromosomes. This frequency is not significantly higher than estimated for a pathogenic variant in ZNF469 causing Brittle cornea syndrome 1, allowing no conclusion about variant significance. To our knowledge, no occurrence of c.2119C>T in individuals affected with Brittle cornea syndrome 1 and no experimental evidence demonstrating its impact on protein function have been reported. ClinVar contains an entry for this variant (Variation ID: 1557973). Based on the evidence outlined above, the variant was classified as uncertain significance.

Fulgent Genetics
Classification: Uncertain significance for Brittle cornea syndrome 1. Last evaluated: 2024-04-02. Review status: criteria provided, single submitter. Criteria: ACMG Guidelines, 2015. Collection method: clinical testing. Allele origin: germline.

GeneDx
Classification: Uncertain significance. Last evaluated: 2023-11-07. Review status: criteria provided, single submitter. Criteria: GeneDx Variant Classification Process June 2021. Collection method: clinical testing. Allele origin: germline. Affected: yes.
Comment: In silico analysis supports that this missense variant does not alter protein structure/function; Has not been previously published as pathogenic or benign to our knowledge

Genome Diagnostics Laboratory, The Hospital for Sick Children
Classification: Uncertain significance for Ehlers-Danlos syndrome. Last evaluated: 2021-11-12. Review status: criteria provided, single submitter. Criteria: ACMG Guidelines, 2015. Collection method: clinical testing. Allele origin: germline.

NM_001367624.2(ZNF469):c.2119C>T (p.Arg707Cys)

Gene: ZNF469 (zinc finger protein 469; plus strand). Cytogenetic location: 16q24.2.
Variant type: single nucleotide variant.
Coding change: c.2119C>T on transcript NM_001367624.2 (MANE Select); coding-DNA position 2119, C replaced by T.
Protein change: p.Arg707Cys; replaces arginine 707 with cysteine.
Molecular consequence: missense variant.
Genome position (GRCh38, 1-based): chr16:88,429,589, C>T. VCF-style: chr16-88429589-C-T. GRCh37 (hg19) VCF-style: chr16-88495997-C-T.
Other names: NM_001127464.2:c.2119C>T; NM_001127464.1:c.2119C>T; short protein forms R707C.
Identifiers: ClinVar variation 1557973 (VCV001557973.21), dbSNP rs188954563, ClinGen allele CA8224745.